The following is an entry in ClinVar:

NM_022114.4(PRDM16):c.3245A>G (p.Asn1082Ser)

Gene: PRDM16 (PR/SET domain 16; plus strand). Cytogenetic location: 1p36.32.
Variant type: single nucleotide variant.
Coding change: c.3245A>G on transcript NM_022114.4 (MANE Select); coding-DNA position 3245, A replaced by G.
Protein change: p.Asn1082Ser; replaces asparagine 1082 with serine.
Molecular consequence: missense variant.
Genome position (GRCh38, 1-based): chr1:3,426,186, A>G. VCF-style: chr1-3426186-A-G. GRCh37 (hg19) VCF-style: chr1-3342750-A-G.
Other names: c.3245A>G, p.Asn1082Ser (NM_199454.3); c.3245A>G (NM_022114.3); short protein forms N1082S.
Identifiers: ClinVar variation 2741602 (VCV002741602.4), dbSNP rs372177790, ClinGen allele CA544783.
Genomic context (GRCh38, chr1:3,426,186, plus strand): 5'-ACGCACTTTTAGACGAGAAAGAAGACTCTTATTTCTCGGAAATCAGAAACTTTATTGCCA[A>G]TAGTGAGATGAACCAAGCATCAACGCGAACAGAGAAACGGTAAGAAAACTATCGCGGGCT-3'
Protein context (NP_071397.3, residues 1072-1092): YFSEIRNFIA[Asn1082Ser]SEMNQASTRT

ClinVar aggregate classification (germline): Uncertain significance. Review status: criteria provided, multiple submitters, no conflicts (2 of 4 stars). 2 submissions from 2 submitters: Uncertain significance (2). Last evaluated 2025-01-24.

Conditions:
Inborn genetic diseases. Identifiers: MedGen C0950123, MeSH D030342.
Left ventricular noncompaction 8 (LVNC8). Identifiers: Orphanet 154, Orphanet 54260, MedGen C3809288, MONDO:0014152, OMIM 615373.

Allele frequency attached by ClinVar (database versions not stated): gnomAD exomes below 0.00001; ExAC 0.00001; gnomAD 0.00004; TOPMed 0.00005; ESP Exome Variant Server 0.00008.
gnomAD v4.1: 12 of 1,613,848 alleles (0.00074%); highest among the groups gnomAD compares: African/African-American, 0.0093%; no homozygotes.

Submissions (2):

Ambry Genetics
Classification: Uncertain significance for Inborn genetic diseases. Last evaluated: 2025-01-24. Review status: criteria provided, single submitter. Criteria: Ambry Variant Classification Scheme 2023. Collection method: clinical testing. Allele origin: germline.

Labcorp Genetics (formerly Invitae), Labcorp
Classification: Uncertain significance for Left ventricular noncompaction 8. Last evaluated: 2024-12-03. Review status: criteria provided, single submitter. Criteria: Invitae Variant Classification Sherloc (09022015). Collection method: clinical testing. Allele origin: germline.
Comment: This sequence change replaces asparagine, which is neutral and polar, with serine, which is neutral and polar, at codon 1082 of the PRDM16 protein (p.Asn1082Ser). This variant is present in population databases (rs372177790, gnomAD 0.008%). This variant has not been reported in the literature in individuals affected with PRDM16-related conditions. ClinVar contains an entry for this variant (Variation ID: 2741602). An algorithm developed to predict the effect of missense changes on protein structure and function (PolyPhen-2) suggests that this variant is likely to be disruptive. In summary, the available evidence is currently insufficient to determine the role of this variant in disease. Therefore, it has been classified as a Variant of Uncertain Significance.